The following is an entry in ClinVar:

NM_001458.5(FLNC):c.5819G>T (p.Ser1940Ile)

Genes: FLNC-AS1 (FLNC antisense RNA 1; minus strand), FLNC (filamin C; plus strand). Cytogenetic location: 7q32.1.
Variant type: single nucleotide variant.
Coding change: c.5819G>T on transcript NM_001458.5 (MANE Select); coding-DNA position 5819, G replaced by T.
Protein change: p.Ser1940Ile; replaces serine 1940 with isoleucine.
Molecular consequence: missense variant.
Genome position (GRCh38, 1-based): chr7:128,851,605, G>T. VCF-style: chr7-128851605-G-T. GRCh37 (hg19) VCF-style: chr7-128491659-G-T.
Other names: c.5720G>T, p.Ser1907Ile (NM_001127487.2); short protein forms S1907I, S1940I.
Identifiers: ClinVar variation 1478595 (VCV001478595.6), dbSNP rs2128938494, ClinGen allele CA369208586.

ClinVar aggregate classification (germline): Uncertain significance (1 of 4 stars; one submission).

Conditions:
Myofibrillar myopathy 5. Also called: Filaminopathy (type); FILAMINOPATHY, AUTOSOMAL DOMINANT. Identifiers: Orphanet 171445, MedGen C1836050, MONDO:0012289, OMIM 609524.
Distal myopathy with posterior leg and anterior hand involvement. Also called: WILLIAMS DISTAL MYOPATHY. Identifiers: Orphanet 63273, MedGen C3279722, MONDO:0013550, OMIM 614065.
Hypertrophic cardiomyopathy 26. Also called: Cardiomyopathy, familial hypertrophic, 26. Identifiers: Orphanet 75249, MedGen C4310749, MONDO:0014883, OMIM 617047.

Submission:

Labcorp Genetics (formerly Invitae), Labcorp
Classification: Uncertain significance for Distal myopathy with posterior leg and anterior hand involvement; Myofibrillar myopathy 5; Hypertrophic cardiomyopathy 26. Last evaluated: 2024-01-04. Review status: criteria provided, single submitter. Criteria: Invitae Variant Classification Sherloc (09022015). Collection method: clinical testing. Allele origin: germline.
Comment: This sequence change replaces serine, which is neutral and polar, with isoleucine, which is neutral and non-polar, at codon 1940 of the FLNC protein (p.Ser1940Ile). This variant is not present in population databases (gnomAD no frequency). This variant has not been reported in the literature in individuals affected with FLNC-related conditions. ClinVar contains an entry for this variant (Variation ID: 1478595). Advanced modeling of protein sequence and biophysical properties (such as structural, functional, and spatial information, amino acid conservation, physicochemical variation, residue mobility, and thermodynamic stability) has been performed at Invitae for this missense variant, however the output from this modeling did not meet the statistical confidence thresholds required to predict the impact of this variant on FLNC protein function. In summary, the available evidence is currently insufficient to determine the role of this variant in disease. Therefore, it has been classified as a Variant of Uncertain Significance.